The following is an entry in ClinVar:

ClinVar aggregate classification (germline): Uncertain significance (1 of 4 stars; one submission).

Allele frequency attached by ClinVar (database versions not stated): gnomAD exomes below 0.00001 and 0.00002; TOPMed 0.00001; ExAC 0.00002.
gnomAD v4.1: 8 of 1,613,600 alleles (0.0005%); highest among the groups gnomAD compares: African/African-American, 0.0013%; no homozygotes.

Submission:

Labcorp Genetics (formerly Invitae), Labcorp
Classification: Uncertain significance. Last evaluated: 2024-02-24. Review status: criteria provided, single submitter. Criteria: Invitae Variant Classification Sherloc (09022015). Collection method: clinical testing. Allele origin: germline.
Comment: This sequence change replaces glutamic acid, which is acidic and polar, with lysine, which is basic and polar, at codon 97 of the RBP3 protein (p.Glu97Lys). This variant is present in population databases (rs782814427, gnomAD 0.007%). This variant has not been reported in the literature in individuals affected with RBP3-related conditions. ClinVar contains an entry for this variant (Variation ID: 1039764). An algorithm developed to predict the effect of missense changes on protein structure and function (PolyPhen-2) suggests that this variant is likely to be tolerated. In summary, the available evidence is currently insufficient to determine the role of this variant in disease. Therefore, it has been classified as a Variant of Uncertain Significance.

NM_002900.3(RBP3):c.289G>A (p.Glu97Lys)

Gene: RBP3 (retinol binding protein 3; plus strand). Cytogenetic location: 10q11.22.
Variant type: single nucleotide variant.
Coding change: c.289G>A on transcript NM_002900.3 (MANE Select); coding-DNA position 289, G replaced by A.
Protein change: p.Glu97Lys; replaces glutamic acid 97 with lysine.
Molecular consequence: missense variant.
Genome position (GRCh38, 1-based): chr10:47,348,773, G>A. VCF-style: chr10-47348773-G-A. GRCh37 (hg19) VCF-style: chr10-48390589-C-T.
Other names: short protein forms E97K.
Identifiers: ClinVar variation 1039764 (VCV001039764.10), dbSNP rs782814427, ClinGen allele CA5487823.
Genomic context (GRCh38, chr10:47,348,773, plus strand): 5'-GGGGTGCAGAGCTCCCTGAACGATCCTCGCCTGGTCATCTCCTATGAGCCCAGCACCCCC[G>A]AGCCTCCCCCACAAGTCCCAGCACTCACCAGCCTCTCAGAAGAGGAACTGCTTGCCTGGC-3'
Protein context (NP_002891.1, residues 87-107): LVISYEPSTP[Glu97Lys]PPPQVPALTS